The following is an entry in ClinVar:

NM_145290.4(ADGRA3):c.3459G>A (p.Met1153Ile)

Gene: ADGRA3 (adhesion G protein-coupled receptor A3; minus strand). Cytogenetic location: 4p15.2.
Variant type: single nucleotide variant.
Coding change: c.3459G>A on transcript NM_145290.4 (MANE Select); coding-DNA position 3459, G replaced by A.
Protein change: p.Met1153Ile; replaces methionine 1153 with isoleucine.
Molecular consequence: missense variant.
Genome position (GRCh38, 1-based): chr4:22,388,212, C>T on the plus strand (G>A on the coding strand, the complement: ADGRA3 is on the minus strand). VCF-style: chr4-22388212-C-T. GRCh37 (hg19) VCF-style: chr4-22389835-C-T.
Other names: short protein forms M1153I.
Identifiers: ClinVar variation 2246523 (VCV002246523.4), dbSNP rs774785929, ClinGen allele CA2873364.

ClinVar aggregate classification (germline): Uncertain significance. Review status: criteria provided, multiple submitters, no conflicts (2 of 4 stars). 2 submissions from 2 submitters: Uncertain significance (2). Last evaluated 2024-03-07.

Allele frequency attached by ClinVar (database versions not stated): gnomAD exomes below 0.00001; ExAC 0.00001; gnomAD 0.00001.

Submissions (2):

Labcorp Genetics (formerly Invitae), Labcorp
Classification: Uncertain significance. Last evaluated: 2024-03-07. Review status: criteria provided, single submitter. Criteria: Invitae Variant Classification Sherloc (09022015). Collection method: clinical testing. Allele origin: germline.
Comment: This sequence change replaces methionine, which is neutral and non-polar, with isoleucine, which is neutral and non-polar, at codon 1153 of the ADGRA3 protein (p.Met1153Ile). This variant is present in population databases (rs774785929, gnomAD 0.003%). This variant has not been reported in the literature in individuals affected with ADGRA3-related conditions. ClinVar contains an entry for this variant (Variation ID: 2246523). An algorithm developed to predict the effect of missense changes on protein structure and function (PolyPhen-2) suggests that this variant is likely to be disruptive. In summary, the available evidence is currently insufficient to determine the role of this variant in disease. Therefore, it has been classified as a Variant of Uncertain Significance.

Ambry Genetics
Classification: Uncertain significance. Last evaluated: 2021-08-19. Review status: criteria provided, single submitter. Criteria: Ambry Variant Classification Scheme 2023. Collection method: clinical testing. Allele origin: germline.